The following is an entry in ClinVar:

NM_001378778.1(MPDZ):c.1441G>C (p.Asp481His)

Gene: MPDZ (multiple PDZ domain crumbs cell polarity complex component; minus strand). Cytogenetic location: 9p23.
Variant type: single nucleotide variant.
Coding change: c.1441G>C on transcript NM_001378778.1 (MANE Select); coding-DNA position 1441, G replaced by C.
Protein change: p.Asp481His; replaces aspartic acid 481 with histidine.
Molecular consequence: missense variant.
Genome position (GRCh38, 1-based): chr9:13,205,949, C>G on the plus strand (G>C on the coding strand, the complement: MPDZ is on the minus strand). VCF-style: chr9-13205949-C-G. GRCh37 (hg19) VCF-style: chr9-13205948-C-G.
Other names: c.1441G>C, p.Asp481His (NM_001261406.2, NM_001261407.2, NM_001330637.2 and 14 more transcripts); c.1441G>C (NM_003829.3); short protein forms D481H.
Identifiers: ClinVar variation 1492589 (VCV001492589.5), dbSNP rs374433062, ClinGen allele CA372943102.

ClinVar aggregate classification (germline): Uncertain significance. Review status: criteria provided, multiple submitters, no conflicts (2 of 4 stars). 2 submissions from 2 submitters: Uncertain significance (2). Last evaluated 2025-02-08.

Conditions:
Inborn genetic diseases. Identifiers: MedGen C0950123, MeSH D030342.

gnomAD v4.1: 12 of 1,607,474 alleles (0.00075%); highest among the groups gnomAD compares: African/African-American, 0.0013%; no homozygotes.

Submissions (2):

Ambry Genetics
Classification: Uncertain significance for Inborn genetic diseases. Last evaluated: 2025-02-08. Review status: criteria provided, single submitter. Criteria: Ambry Variant Classification Scheme 2023. Collection method: clinical testing. Allele origin: germline.

Labcorp Genetics (formerly Invitae), Labcorp
Classification: Uncertain significance. Last evaluated: 2022-08-09. Review status: criteria provided, single submitter. Criteria: Invitae Variant Classification Sherloc (09022015). Collection method: clinical testing. Allele origin: germline.
Comment: In summary, the available evidence is currently insufficient to determine the role of this variant in disease. Therefore, it has been classified as a Variant of Uncertain Significance. Algorithms developed to predict the effect of missense changes on protein structure and function (SIFT, PolyPhen-2, Align-GVGD) all suggest that this variant is likely to be tolerated. ClinVar contains an entry for this variant (Variation ID: 1492589). This variant has not been reported in the literature in individuals affected with MPDZ-related conditions. This variant is not present in population databases (gnomAD no frequency). This sequence change replaces aspartic acid, which is acidic and polar, with histidine, which is basic and polar, at codon 481 of the MPDZ protein (p.Asp481His).